The following is an entry in ClinVar:

ClinVar aggregate classification (germline): Uncertain significance (1 of 4 stars; one submission).

Conditions:
Nephronophthisis 9 (NPHP9). Identifiers: Orphanet 655, MedGen C3151188, MONDO:0013444, OMIM 613824.

Submission:

Labcorp Genetics (formerly Invitae), Labcorp
Classification: Uncertain significance for Nephronophthisis 9. Last evaluated: 2022-11-08. Review status: criteria provided, single submitter. Criteria: Invitae Variant Classification Sherloc (09022015). Collection method: clinical testing. Allele origin: germline.
Comment: In summary, the available evidence is currently insufficient to determine the role of this variant in disease. Therefore, it has been classified as a Variant of Uncertain Significance. Algorithms developed to predict the effect of missense changes on protein structure and function (SIFT, PolyPhen-2, Align-GVGD) all suggest that this variant is likely to be disruptive. This variant has not been reported in the literature in individuals affected with NEK8-related conditions. This variant is not present in population databases (gnomAD no frequency). This sequence change replaces glycine, which is neutral and non-polar, with aspartic acid, which is acidic and polar, at codon 643 of the NEK8 protein (p.Gly643Asp).

NM_178170.3(NEK8):c.1928G>A (p.Gly643Asp)

Gene: NEK8 (NIMA related kinase 8; plus strand). Cytogenetic location: 17q11.2.
Variant type: single nucleotide variant.
Coding change: c.1928G>A on transcript NM_178170.3 (MANE Select); coding-DNA position 1928, G replaced by A.
Protein change: p.Gly643Asp; replaces glycine 643 with aspartic acid.
Molecular consequence: missense variant.
Genome position (GRCh38, 1-based): chr17:28,741,449, G>A. VCF-style: chr17-28741449-G-A. GRCh37 (hg19) VCF-style: chr17-27068467-G-A.
Other names: short protein forms G643D.
Identifiers: ClinVar variation 2058418 (VCV002058418.4), dbSNP rs1380617820, ClinGen allele CA398358871.
Genomic context (GRCh38, chr17:28,741,449, plus strand): 5'-CCTCCTGGGGATTCTTCCTGGCAGAGAGCGAAGTGTACTCTTGGGGCAAAGGGGCGCGAG[G>A]TCGATTGGGAAGGAGGGATGAGGATGCCGGACTCCCTCGGCCAGTGCAGTTGGATGAGAC-3'
Protein context (NP_835464.1, residues 633-653): EVYSWGKGAR[Gly643Asp]RLGRRDEDAG